The following is an entry in ClinVar:

ClinVar aggregate classification (germline): Conflicting classifications of pathogenicity. Review status: criteria provided, conflicting classifications (1 of 4 stars). 3 submissions from 3 submitters: Likely pathogenic (1); Uncertain significance (2). Last evaluated 2025-07-16.

Conditions:
WFS1-related disorder. Identifiers: MedGen CN379391, MONDO:0700293.
Autosomal dominant nonsyndromic hearing loss 6 (LFSNHL). Also called: DEAFNESS, AUTOSOMAL DOMINANT 6; DEAFNESS, AUTOSOMAL DOMINANT 14; DEAFNESS, AUTOSOMAL DOMINANT 38; Autosomal dominant nonsyndromic deafness 6. Identifiers: Orphanet 90635, MedGen C1833021, MONDO:0010963, OMIM 600965.
Wolfram-like syndrome. Also called: HEARING LOSS, PROGRESSIVE, WITH OPTIC ATROPHY AND/OR IMPAIRED GLUCOSE REGULATION. Identifiers: Orphanet 411590, MedGen C3280358, MONDO:0013673, OMIM 614296.
Type 2 diabetes mellitus. Also called: Type II diabetes mellitus. Identifiers: MedGen C0011860, MeSH D003924, MONDO:0005148, OMIM 125853, HP:0005978.
Wolfram syndrome 1 (WFS1). Identifiers: Orphanet 3463, MedGen C4551693, MONDO:0009101, OMIM 222300.
Cataract 41 (CTRCT41). Also called: CATARACT 41, CONGENITAL NUCLEAR TYPE. Identifiers: Orphanet 91492, Orphanet 98991, Orphanet 98992, Orphanet 98995, MedGen C3805412, MONDO:0007287, OMIM 116400.

Allele frequency attached by ClinVar (database versions not stated): gnomAD exomes 0.00001.
gnomAD v4.1: 5 of 1,612,896 alleles (0.00031%); highest among the groups gnomAD compares: Non-Finnish European, 0.00042%; no homozygotes.

Submissions (3):

Labcorp Genetics (formerly Invitae), Labcorp
Classification: Likely pathogenic. Last evaluated: 2025-07-16. Review status: criteria provided, single submitter. Criteria: Invitae Variant Classification Sherloc (09022015). Collection method: clinical testing. Allele origin: germline.
Comment: This sequence change replaces glycine, which is neutral and non-polar, with serine, which is neutral and polar, at codon 695 of the WFS1 protein (p.Gly695Ser). This variant is not present in population databases (gnomAD no frequency). This variant has not been reported in the literature in individuals affected with WFS1-related conditions. ClinVar contains an entry for this variant (Variation ID: 2630486). Invitae Evidence Modeling of protein sequence and biophysical properties (such as structural, functional, and spatial information, amino acid conservation, physicochemical variation, residue mobility, and thermodynamic stability) indicates that this missense variant is expected to disrupt WFS1 protein function with a positive predictive value of 95%. This variant disrupts the p.Gly695 amino acid residue in WFS1. Other variant(s) that disrupt this residue have been determined to be pathogenic (PMID: 9771706, 16195229). This suggests that this residue is clinically significant, and that variants that disrupt this residue are likely to be disease-causing. In summary, the currently available evidence indicates that the variant is pathogenic, but additional data are needed to prove that conclusively. Therefore, this variant has been classified as Likely Pathogenic.

Fulgent Genetics
Classification: Uncertain significance for Cataract 41; Type 2 diabetes mellitus; Wolfram syndrome 1; Autosomal dominant nonsyndromic hearing loss 6; Wolfram-like syndrome. Last evaluated: 2024-05-08. Review status: criteria provided, single submitter. Criteria: ACMG Guidelines, 2015. Collection method: clinical testing. Allele origin: germline.

PreventionGenetics, part of Exact Sciences
Classification: Uncertain significance for WFS1-related condition. Last evaluated: 2023-02-09. Review status: criteria provided, single submitter. Criteria: ACMG Guidelines, 2015. Collection method: clinical testing. Allele origin: germline.
Comment: The WFS1 c.2083G>A variant is predicted to result in the amino acid substitution p.Gly695Ser. To our knowledge, this variant has not been reported in the literature or in a large population database, indicating this variant is rare. An alternate substitution of this amino acid residue (p.Gly695Val) has been reported in individuals with autosomal recessive Wolfram syndrome (Inoue et al. 1998. PubMed ID: 9771706). Although we suspect that this variant may be pathogenic, at this time, the clinical significance of this variant is uncertain due to the absence of conclusive functional and genetic evidence.

Literature cited by the submitters: PubMed 9771706 (cited by Labcorp Genetics (formerly Invitae), Labcorp); PubMed 16195229 (cited by Labcorp Genetics (formerly Invitae), Labcorp).

NM_006005.3(WFS1):c.2083G>A (p.Gly695Ser)

Gene: WFS1 (wolframin ER transmembrane glycoprotein; plus strand). Cytogenetic location: 4p16.1.
Variant type: single nucleotide variant.
Coding change: c.2083G>A on transcript NM_006005.3 (MANE Select); coding-DNA position 2083, G replaced by A.
Protein change: p.Gly695Ser; replaces glycine 695 with serine.
Molecular consequence: missense variant.
Genome position (GRCh38, 1-based): chr4:6,301,878, G>A. VCF-style: chr4-6301878-G-A. GRCh37 (hg19) VCF-style: chr4-6303605-G-A.
Other names: c.2083G>A, p.Gly695Ser (NM_001145853.1); short protein forms G695S.
Identifiers: ClinVar variation 2630486 (VCV002630486.3), dbSNP rs1252460131, ClinGen allele CA356177667.